The following is an entry in ClinVar:

NM_001204.7(BMPR2):c.1640C>A (p.Ser547Tyr)

Gene: BMPR2 (bone morphogenetic protein receptor type 2; plus strand). Cytogenetic location: 2q33.2.
Variant type: single nucleotide variant.
Coding change: c.1640C>A on transcript NM_001204.7 (MANE Select); coding-DNA position 1640, C replaced by A.
Protein change: p.Ser547Tyr; replaces serine 547 with tyrosine.
Molecular consequence: missense variant.
Genome position (GRCh38, 1-based): chr2:202,555,305, C>A. VCF-style: chr2-202555305-C-A. GRCh37 (hg19) VCF-style: chr2-203420028-C-A.
Other names: short protein forms S547Y.
Identifiers: ClinVar variation 4214451 (VCV004214451.1).
Genomic context (GRCh38, chr2:202,555,305, plus strand): 5'-CTTTAAGCAACCTGTCACATAATAGGCGTGTGCCAAAAATTGGTCCTTATCCAGATTATT[C>A]TTCCTCCTCATACATTGAAGACTCTATCCATCATACTGACAGCATCGTGAAGAATATTTC-3'
Protein context (NP_001195.2, residues 537-557): VPKIGPYPDY[Ser547Tyr]SSSYIEDSIH

ClinVar aggregate classification (germline): Uncertain significance (1 of 4 stars; one submission).

Conditions:
Inborn genetic diseases. Identifiers: MedGen C0950123, MeSH D030342.

gnomAD v4.1: 3 of 1,614,152 alleles (0.00019%); highest among the groups gnomAD compares: Middle Eastern, 0.016%; no homozygotes.

Submission:

Ambry Genetics
Classification: Uncertain significance for Inborn genetic diseases. Last evaluated: 2025-07-17. Review status: criteria provided, single submitter. Criteria: Ambry Variant Classification Scheme 2023. Collection method: clinical testing. Allele origin: germline.
Comment: The p.S547Y variant (also known as c.1640C>A), located in coding exon 12 of the BMPR2 gene, results from a C to A substitution at nucleotide position 1640. The serine at codon 547 is replaced by tyrosine, an amino acid with dissimilar properties. This amino acid position is conserved. In addition, the in silico prediction for this alteration is inconclusive. Based on the available evidence, the clinical significance of this variant remains unclear.